The following is an entry in ClinVar:

ClinVar aggregate classification (germline): Conflicting classifications of pathogenicity. Review status: criteria provided, conflicting classifications (1 of 4 stars). 3 submissions from 3 submitters: Uncertain significance (1); Likely benign (2). Last evaluated 2025-01-21.

Conditions:
Inborn genetic diseases. Identifiers: MedGen C0950123, MeSH D030342.
Hermansky-Pudlak syndrome 2 (HPS2). Also called: Platelet defects and oculocutaneous albinism. Identifiers: Orphanet 183678, Orphanet 79430, MedGen C1842362, MONDO:0011997, OMIM 608233.

Allele frequency attached by ClinVar (database versions not stated): TOPMed below 0.00001; ExAC 0.00001; 1000 Genomes Project 30x 0.00016; 1000 Genomes Project 0.00020; gnomAD exomes below 0.00001.
gnomAD v4.1: 17 of 1,612,840 alleles (0.0011%); highest among the groups gnomAD compares: Middle Eastern, 0.017%; no homozygotes.

Submissions (3):

Ambry Genetics
Classification: Likely benign for Inborn genetic diseases. Last evaluated: 2025-01-21. Review status: criteria provided, single submitter. Criteria: Ambry Variant Classification Scheme 2023. Collection method: clinical testing. Allele origin: germline.

Blueprint Genetics
Classification: Likely benign. Last evaluated: 2022-11-30. Review status: criteria provided, single submitter. Criteria: ACMG Guidelines, 2015. Collection method: clinical testing. Allele origin: germline.

Labcorp Genetics (formerly Invitae), Labcorp
Classification: Uncertain significance for Hermansky-Pudlak syndrome 2. Last evaluated: 2022-10-25. Review status: criteria provided, single submitter. Criteria: Invitae Variant Classification Sherloc (09022015). Collection method: clinical testing. Allele origin: germline.
Comment: This sequence change replaces histidine, which is basic and polar, with asparagine, which is neutral and polar, at codon 850 of the AP3B1 protein (p.His850Asn). This variant is present in population databases (rs201936976, gnomAD 0.007%). This variant has not been reported in the literature in individuals affected with AP3B1-related conditions. ClinVar contains an entry for this variant (Variation ID: 661157). Algorithms developed to predict the effect of missense changes on protein structure and function output the following: SIFT: "Tolerated"; PolyPhen-2: "Benign"; Align-GVGD: "Class C0". The asparagine amino acid residue is found in multiple mammalian species, which suggests that this missense change does not adversely affect protein function. In summary, the available evidence is currently insufficient to determine the role of this variant in disease. Therefore, it has been classified as a Variant of Uncertain Significance.

NM_003664.5(AP3B1):c.2548C>A (p.His850Asn)

Gene: AP3B1 (adaptor related protein complex 3 subunit beta 1; minus strand). Cytogenetic location: 5q14.1.
Variant type: single nucleotide variant.
Coding change: c.2548C>A on transcript NM_003664.5 (MANE Select); coding-DNA position 2548, C replaced by A.
Protein change: p.His850Asn; replaces histidine 850 with asparagine.
Molecular consequence: missense variant.
Genome position (GRCh38, 1-based): chr5:78,089,422, G>T on the plus strand (C>A on the coding strand, the complement: AP3B1 is on the minus strand). VCF-style: chr5-78089422-G-T. GRCh37 (hg19) VCF-style: chr5-77385246-G-T.
Other names: c.2401C>A, p.His801Asn (NM_001271769.2); c.2548C>A (NM_003664.3); short protein forms H801N, H850N.
Identifiers: ClinVar variation 661157 (VCV000661157.8), dbSNP rs201936976, ClinGen allele CA3316739.